The following is an entry in ClinVar:

NM_021098.3(CACNA1H):c.6199G>A (p.Val2067Ile)

Gene: CACNA1H (calcium voltage-gated channel subunit alpha1 H; plus strand). Cytogenetic location: 16p13.3.
Variant type: single nucleotide variant.
Coding change: c.6199G>A on transcript NM_021098.3 (MANE Select); coding-DNA position 6199, G replaced by A.
Protein change: p.Val2067Ile; replaces valine 2067 with isoleucine.
Molecular consequence: missense variant.
Genome position (GRCh38, 1-based): chr16:1,220,131, G>A. VCF-style: chr16-1220131-G-A. GRCh37 (hg19) VCF-style: chr16-1270131-G-A.
Other names: c.6181G>A, p.Val2061Ile (NM_001005407.2); short protein forms V2067I, V2061I.
Identifiers: ClinVar variation 529574 (VCV000529574.15), dbSNP rs370883583, ClinGen allele CA7802263.

ClinVar aggregate classification (germline): Conflicting classifications of pathogenicity. Review status: criteria provided, conflicting classifications (1 of 4 stars). 4 submissions from 4 submitters: Uncertain significance (2); Benign (1); Likely benign (1). Last evaluated 2025-08-05.

Conditions:
Epilepsy, childhood absence, susceptibility to, 6. Identifiers: Orphanet 64280, MedGen C2749872, MONDO:0012763, OMIM 611942.
Hyperaldosteronism, familial, type IV (HALD4). Also called: FH IV; ALDOSTERONISM, PRIMARY, AND HYPERTENSION. Identifiers: Orphanet 642671, MedGen C4310756, MONDO:0014875, OMIM 617027.
Idiopathic generalized epilepsy. Also called: EIG; Generalised epilepsy. Identifiers: MedGen C0270850, MONDO:0005579, OMIM 600669.
Inborn genetic diseases. Identifiers: MedGen C0950123, MeSH D030342.

Allele frequency attached by ClinVar (database versions not stated): gnomAD 0.00007 and 0.00008; gnomAD exomes 0.00007 and 0.00014; TOPMed 0.00007; ExAC 0.00008; ESP Exome Variant Server 0.00016; 1000 Genomes Project 0.00020; 1000 Genomes Project 30x 0.00047.
gnomAD v4.1: 203 of 1,495,404 alleles (0.014%); highest among the groups gnomAD compares: Middle Eastern, 0.018%; no homozygotes.

Submissions (4):

GeneDx
Classification: Uncertain significance. Last evaluated: 2025-08-05. Review status: criteria provided, single submitter. Criteria: GeneDx Variant Classification Process June 2021. Collection method: clinical testing. Allele origin: germline. Affected: yes.
Comment: In silico analysis suggests that this missense variant does not alter protein structure/function; Has not been previously published as pathogenic or benign to our knowledge

Labcorp Genetics (formerly Invitae), Labcorp
Classification: Benign for Idiopathic generalized epilepsy; Hyperaldosteronism, familial, type IV. Last evaluated: 2024-08-09. Review status: criteria provided, single submitter. Criteria: Invitae Variant Classification Sherloc (09022015). Collection method: clinical testing. Allele origin: germline.

Fulgent Genetics
Classification: Likely benign for Epilepsy, childhood absence, susceptibility to, 6; Hyperaldosteronism, familial, type IV. Last evaluated: 2024-05-23. Review status: criteria provided, single submitter. Criteria: ACMG Guidelines, 2015. Collection method: clinical testing. Allele origin: germline.

Ambry Genetics
Classification: Uncertain significance for Inborn genetic diseases. Last evaluated: 2021-08-10. Review status: criteria provided, single submitter. Criteria: Ambry Variant Classification Scheme 2023. Collection method: clinical testing. Allele origin: germline.